The following is an entry in ClinVar:

ClinVar aggregate classification (germline): Uncertain significance (1 of 4 stars; one submission).

Conditions:
Developmental and epileptic encephalopathy, 23 (DEE23). Also called: Epileptic encephalopathy, early infantile, 23. Identifiers: Orphanet 411986, MedGen C4014492, MONDO:0014371, OMIM 615859.

Submission:

Labcorp Genetics (formerly Invitae), Labcorp
Classification: Uncertain significance for Developmental and epileptic encephalopathy, 23. Last evaluated: 2020-10-26. Review status: criteria provided, single submitter. Criteria: Invitae Variant Classification Sherloc (09022015). Collection method: clinical testing. Allele origin: germline.
Comment: Algorithms developed to predict the effect of missense changes on protein structure and function are either unavailable or do not agree on the potential impact of this missense change (SIFT: "Deleterious"; PolyPhen-2: "Probably Damaging"; Align-GVGD: "Class C0"). In summary, the available evidence is currently insufficient to determine the role of this variant in disease. Therefore, it has been classified as a Variant of Uncertain Significance. This variant has not been reported in the literature in individuals with DOCK7-related conditions. This variant is not present in population databases (ExAC no frequency). This sequence change replaces cysteine with tyrosine at codon 2061 of the DOCK7 protein (p.Cys2061Tyr). The cysteine residue is highly conserved and there is a large physicochemical difference between cysteine and tyrosine.

NM_001367561.1(DOCK7):c.6215G>A (p.Cys2072Tyr)

Gene: DOCK7 (dedicator of cytokinesis 7; minus strand). Cytogenetic location: 1p31.3.
Variant type: single nucleotide variant.
Coding change: c.6215G>A on transcript NM_001367561.1 (MANE Select); coding-DNA position 6215, G replaced by A.
Protein change: p.Cys2072Tyr; replaces cysteine 2072 with tyrosine.
Molecular consequence: missense variant.
Genome position (GRCh38, 1-based): chr1:62,457,703, C>T on the plus strand (G>A on the coding strand, the complement: DOCK7 is on the minus strand). VCF-style: chr1-62457703-C-T. GRCh37 (hg19) VCF-style: chr1-62923374-C-T.
Other names: c.6182G>A, p.Cys2061Tyr (NM_001271999.2); c.6095G>A, p.Cys2032Tyr (NM_001272000.2); c.6089G>A, p.Cys2030Tyr (NM_001272001.2); c.6188G>A, p.Cys2063Tyr (NM_001330614.2); c.6122G>A, p.Cys2041Tyr (NM_033407.4); short protein forms C2061Y, C2030Y, C2072Y, C2041Y, C2063Y, C2032Y.
Identifiers: ClinVar variation 1045755 (VCV001045755.9), dbSNP rs1645387288, ClinGen allele CA340599079.